The following is an entry in ClinVar:

NM_000293.3(PHKB):c.3042C>T (p.Pro1014=)

Gene: PHKB (phosphorylase kinase regulatory subunit beta; plus strand). Cytogenetic location: 16q12.1.
Variant type: single nucleotide variant.
Coding change: c.3042C>T on transcript NM_000293.3 (MANE Select); coding-DNA position 3042, C replaced by T.
Protein change: p.Pro1014=; no amino-acid change (proline 1014 retained).
Molecular consequence: synonymous variant.
Genome position (GRCh38, 1-based): chr16:47,698,486, C>T. VCF-style: chr16-47698486-C-T. GRCh37 (hg19) VCF-style: chr16-47732397-C-T.
Other names: c.3021C>T, p.Pro1007= (NM_001031835.3); c.3042C>T, p.Pro1014= (NM_001363837.1).
Identifiers: ClinVar variation 668344 (VCV000668344.4), dbSNP rs149234185, ClinGen allele CA8041419.

ClinVar aggregate classification (germline): Likely benign. Review status: criteria provided, multiple submitters, no conflicts (2 of 4 stars). 2 submissions from 2 submitters: Likely benign (2). Last evaluated 2025-09-06.

Conditions:
Glycogen storage disease IXb (GSD9B). Also called: PHOSPHORYLASE KINASE DEFICIENCY OF LIVER AND MUSCLE, AUTOSOMAL RECESSIVE; GLYCOGENOSIS OF LIVER AND MUSCLE, AUTOSOMAL RECESSIVE; GSD IXb. Identifiers: Orphanet 79240, MedGen C0543514, MONDO:0009868, OMIM 261750.

Allele frequency attached by ClinVar (database versions not stated): gnomAD 0.00001 and 0.00002; gnomAD exomes 0.00004 and 0.00006; TOPMed 0.00004; ExAC 0.00007; 1000 Genomes Project 30x 0.00016; 1000 Genomes Project 0.00020.
gnomAD v4.1: 54 of 1,611,296 alleles (0.0034%); highest among the groups gnomAD compares: East Asian, 0.045%; no homozygotes.

Submissions (2):

Labcorp Genetics (formerly Invitae), Labcorp
Classification: Likely benign for Glycogen storage disease IXb. Last evaluated: 2025-09-06. Review status: criteria provided, single submitter. Criteria: Invitae Variant Classification Sherloc (09022015). Collection method: clinical testing. Allele origin: germline.

GeneDx
Classification: Likely benign. Last evaluated: 2018-05-22. Review status: criteria provided, single submitter. Criteria: GeneDx Variant Classification (06012015). Collection method: clinical testing. Allele origin: germline. Affected: yes.
Comment: This variant is considered likely benign or benign based on one or more of the following criteria: it is a conservative change, it occurs at a poorly conserved position in the protein, it is predicted to be benign by multiple in silico algorithms, and/or has population frequency not consistent with disease.